The following is an entry in ClinVar:

NM_000141.5(FGFR2):c.1690G>A (p.Val564Ile)

Gene: FGFR2 (fibroblast growth factor receptor 2; minus strand). Cytogenetic location: 10q26.13.
Variant type: single nucleotide variant.
Coding change: c.1690G>A on transcript NM_000141.5 (MANE Select); coding-DNA position 1690, G replaced by A.
Protein change: p.Val564Ile; replaces valine 564 with isoleucine.
Molecular consequence: missense variant. On other transcripts: non-coding transcript variant (1).
Genome position (GRCh38, 1-based): chr10:121,496,705, C>T on the plus strand (G>A on the coding strand, the complement: FGFR2 is on the minus strand). VCF-style: chr10-121496705-C-T. GRCh37 (hg19) VCF-style: chr10-123256219-C-T.
Other names: c.1693G>A, p.Val565Ile (NM_001144913.1, NM_022970.4); c.1354G>A, p.Val452Ile (NM_001144914.1); c.1423G>A, p.Val475Ile (NM_001144915.2, NM_023029.3); c.1345G>A, p.Val449Ile (NM_001144916.2); c.1342G>A, p.Val448Ile (NM_001144917.2); c.1339G>A, p.Val447Ile (NM_001144918.2); c.1426G>A, p.Val476Ile (NM_001144919.2); c.1006G>A, p.Val336Ile (NM_001320654.2); and 1 more; short protein forms V564I, V565I, V336I, V449I, V475I, V448I, V452I, V476I.
Identifiers: ClinVar variation 376155 (VCV000376155.3), dbSNP rs1057519797, ClinGen allele CA16602612.

ClinVar aggregate classification (germline): Uncertain significance (1 of 4 stars; one submission).

Submission:

GeneDx
Classification: Uncertain significance. Last evaluated: 2020-02-14. Review status: criteria provided, single submitter. Criteria: GeneDx Variant Classification Process June 2021. Collection method: clinical testing. Allele origin: germline. Affected: yes.
Comment: Not observed in large population cohorts (Lek et al., 2016); In silico analysis supports that this missense variant does not alter protein structure/function; Has not been previously reported as a pathogenic or benign germline variant to our knowledge; This variant is associated with the following publications: (PMID: 26097890, 25349422, 25169980, 27109926, 28034880, 28427515, 28978721, 29540482)